The following is an entry in ClinVar:

ClinVar aggregate classification (germline): Conflicting classifications of pathogenicity. Review status: criteria provided, conflicting classifications (1 of 4 stars). 9 submissions from 9 submitters: Pathogenic (5); Benign (2). 2 of the submissions do not count toward it. Last evaluated 2025-09-10.

Conditions:
Prekallikrein deficiency. Also called: PKK DEFICIENCY; FLETCHER FACTOR DEFICIENCY. Identifiers: MedGen C0272339, MONDO:0044744.
KLKB1-related disorder. Also called: KLKB1-related condition.
Inherited prekallikrein deficiency. Identifiers: Orphanet 749, MedGen CN305372, MONDO:0012901, OMIM 612423.

Submissions (9):

Genomic Medicine Center of Excellence, King Faisal Specialist Hospital and Research Centre
Classification: Pathogenic for Inherited prekallikrein deficiency. Last evaluated: 2025-09-10. Review status: criteria provided, single submitter. Criteria: ACMG Guidelines, 2015. Collection method: clinical testing. Allele origin: germline.

First Genomix Gene Laboratory, Genetic Diagnostics Department
Classification: Pathogenic for Inherited prekallikrein deficiency. Last evaluated: 2025-07-28. Review status: criteria provided, single submitter. Criteria: ACMG Guidelines, 2015. Collection method: clinical testing. Allele origin: germline. Inheritance: Autosomal recessive inheritance. Affected: no. Observed: 1 variant allele.

Labcorp Genetics (formerly Invitae), Labcorp
Classification: Benign. Last evaluated: 2024-06-12. Review status: criteria provided, single submitter. Criteria: Invitae Variant Classification Sherloc (09022015). Collection method: clinical testing. Allele origin: germline.

Mayo Clinic Laboratories, Mayo Clinic
Classification: Pathogenic. Last evaluated: 2024-01-24. Review status: criteria provided, single submitter. Criteria: ACMG Guidelines, 2015. Collection method: clinical testing. Allele origin: germline. Observed: 1 variant allele.
Comment: PP1, PM3_strong, PVS1

GeneDx
Classification: Pathogenic. Last evaluated: 2022-12-23. Review status: criteria provided, single submitter. Criteria: GeneDx Variant Classification Process June 2021. Collection method: clinical testing. Allele origin: germline. Affected: yes.
Comment: Frameshift variant predicted to result in protein truncation or nonsense mediated decay in a gene for which loss of function is a known mechanism of disease; This variant is associated with the following publications: (PMID: 34426522, 19404525, 31984307, 32202057, 34847617, 33073460)

Institute for Clinical Chemistry and Laboratory Medicine, University Medical Center Mainz
Classification: Pathogenic for Inherited prekallikrein deficiency. Last evaluated: 2022-12-13. Review status: criteria provided, single submitter. Criteria: ACMG Guidelines, 2015. Collection method: clinical testing. Allele origin: germline. Inheritance: Autosomal recessive inheritance. Affected: yes. Observed: 3 variant alleles, 3 homozygotes. Clinical features observed: Prekallikrein deficiency, Prolonged partial thromboplastin time (HP:0003645).
Comment: We were able to detect this variant, NM_000892.4(KLKB1):c.451dupT p.(Ser151Phefs*34), in homozygosity in three unrelated individuals with severe prekallikrein deficiency and prolonged aPTT (Barco et al. PMID: 32202057; Adenaeuer et al. PMID: 33073460) (<1% PK activity and antigen level). Functional assays of one individual were originally published by Nazir et al. (DOI: 10.15406/htij.2019.07.00197). This is a frameshift variant in exon 5, resulting in a premature stop codon and virtually no detectable prekallikrein activity or antigen (CRM-). Other known cases with KLKB1 c.451dupT in the literature: This variant was first identified in a homozygous case (urn:nbn:de:hebis:30-67544 (German doctoral thesis) and by Maak et al. in a compound heterozygous prekallikrein deficient individual (PMID: 19404525 (paper in German)). In summary, this variant is to be classified as pathogenic (ACMG criteria) and leads to no detectable PK activity or antigen. It is rare in many ethnicities (0.1-0.6%) but reaches a MAF of 1-2% in several African collectives (dbSNP), making it by far the most frequent PK deficiency causing variant. This variant alone causes one case of PK deficiency in every ~7000 people in native African collectives and collectives of African origin studied (PMID: 33073460).

CeGaT Center for Human Genetics Tuebingen
Classification: Benign. Last evaluated: 2022-11-01. Review status: criteria provided, single submitter. Criteria: CeGaT Center For Human Genetics Tuebingen Variant Classification Criteria Version 2. Collection method: clinical testing. Allele origin: germline. Affected: yes. Observed: 1 variant allele.
Comment: KLKB1: BS1, BS2

PreventionGenetics, part of Exact Sciences
Classification: Pathogenic for KLKB1-related condition. Last evaluated: 2024-06-18. Review status: no assertion criteria provided. Collection method: clinical testing. Allele origin: germline. Not counted in ClinVar's aggregate classification.
Comment: The KLKB1 c.451dupT variant is predicted to result in a frameshift and premature protein termination (p.Ser151Phefs*34). This variant has been reported in the compound heterozygous and homozygous states in multiple individuals with prekallikrein deficiency (see, for example, Maak et al. 2009. PubMed ID: 19404525, described as a single basepair insertion at codon 149; Dasgupta et al. 2020. PubMed ID: 31984307, described as a single basepair insertion at codon 132; Adenaeuer et al. 2020. PubMed ID: 33073460) and has been reported to co-segregate with the disorder in at least one family (Maak et al. 2009. PubMed ID: 19404525). This variant is reported in 1.4% of alleles in individuals of African descent in gnomAD and is the variant primarily responsible for the elevated prevalence of prekallikrein deficiency in this subpopulation (Adenaeuer et al. 2020. PubMed ID: 33073460). Frameshift variants in KLKB1 are expected to be pathogenic. This variant is interpreted as pathogenic.

OMIM
Classification: Pathogenic for PREKALLIKREIN DEFICIENCY. Last evaluated: 2022-08-09. Review status: no assertion criteria provided. Collection method: literature only. Allele origin: germline. Not counted in ClinVar's aggregate classification.

Literature cited by the submitters: PubMed 19404525 (cited by Mayo Clinic Laboratories, Mayo Clinic and OMIM); PubMed 31984307 (cited by Mayo Clinic Laboratories, Mayo Clinic); PubMed 32202057 (cited by Mayo Clinic Laboratories, Mayo Clinic and Institute for Clinical Chemistry and Laboratory Medicine, University Medical Center Mainz); PubMed 33073460 (cited by 3 submitters); PubMed 34426522 (cited by Mayo Clinic Laboratories, Mayo Clinic); PubMed 34847617 (cited by Mayo Clinic Laboratories, Mayo Clinic and OMIM); PubMed 35377536 (cited by Mayo Clinic Laboratories, Mayo Clinic).

NM_000892.5(KLKB1):c.451dup (p.Ser151fs)

Gene: KLKB1 (kallikrein B1; plus strand). Cytogenetic location: 4q35.2.
Variant type: Duplication.
Coding change: c.451dup on transcript NM_000892.5 (MANE Select); coding-DNA position 451, one base duplicated (T; older notation c.451dupT).
Protein change: p.Ser151fs; shifts the reading frame from serine 151.
Molecular consequence: frameshift variant. On other transcripts: 5 prime UTR variant (1).
Genome position (GRCh38, 1-based): chr4:186,236,903, T duplicated; the last of 7 consecutive T bases (chr4:186,236,897-186,236,903); duplicating any one gives the same sequence. VCF-style (leftmost placement, unchanged base first): chr4-186236896-G-GT. GRCh37 (hg19) VCF-style: chr4-187158050-G-GT.
Other names: p.Ser151Phefs*34; c.337dup, p.Ser113fs (NM_001318394.2); c.-187dup (NM_001318396.2); c.451dup (NM_000892.4, NM_000892.3); c.451dupT (NM_000892.5); short protein forms S113fs, S151fs.
Identifiers: ClinVar variation 711923 (VCV000711923.39), dbSNP rs560588447, ClinGen allele CA3163049.